The following is an entry in ClinVar:

ClinVar aggregate classification (germline): Benign/Likely benign. Review status: criteria provided, multiple submitters, no conflicts (2 of 4 stars). 6 submissions from 6 submitters: Benign (1); Likely benign (5). Last evaluated 2026-01-24.

Conditions:
Congenital generalized lipodystrophy type 1 (CGL1). Also called: BRUNZELL SYNDROME, AGPAT2-RELATED; Berardinelli-Seip Congenital Lipodystrophy Type 1. Identifiers: Orphanet 528, Orphanet 696189, MedGen C1720862, MONDO:0012071, OMIM 608594.

Allele frequency attached by ClinVar (database versions not stated): ExAC 0.00077; 1000 Genomes Project 30x 0.00094; 1000 Genomes Project 0.00120; ESP Exome Variant Server 0.00215; TOPMed 0.00297; gnomAD 0.00303.
gnomAD v4.1: 779 of 1,610,610 alleles (0.048%); highest among the groups gnomAD compares: African/African-American, 0.93%; 3 homozygotes.

Submissions (6):

Labcorp Genetics (formerly Invitae), Labcorp
Classification: Benign. Last evaluated: 2026-01-24. Review status: criteria provided, single submitter. Criteria: Invitae Variant Classification Sherloc (09022015). Collection method: clinical testing. Allele origin: germline.

Mayo Clinic Laboratories, Mayo Clinic
Classification: Likely benign. Last evaluated: 2025-04-29. Review status: criteria provided, single submitter. Criteria: ACMG Guidelines, 2015. Collection method: clinical testing. Allele origin: germline. Observed: 2 variant alleles.
Comment: BS1, BP4, BP7

Blueprint Genetics
Classification: Likely benign. Last evaluated: 2024-09-13. Review status: criteria provided, single submitter. Criteria: ACMG Guidelines, 2015. Collection method: clinical testing. Allele origin: germline.

Fulgent Genetics
Classification: Likely benign for Congenital generalized lipodystrophy type 1. Last evaluated: 2021-07-23. Review status: criteria provided, single submitter. Criteria: ACMG Guidelines, 2015. Collection method: clinical testing. Allele origin: unknown.

Breakthrough Genomics
Classification: Likely benign. Review status: criteria provided, single submitter. Criteria: ACMG Guidelines, 2015. Collection method: not provided. Allele origin: germline. Inheritance: Autosomal recessive inheritance. Affected: yes.

PreventionGenetics, part of Exact Sciences
Classification: Likely benign. Review status: criteria provided, single submitter. Criteria: ACMG Guidelines, 2015. Collection method: clinical testing. Allele origin: germline.

NM_006412.4(AGPAT2):c.493-17C>A

Gene: AGPAT2 (1-acylglycerol-3-phosphate O-acyltransferase 2; minus strand). Cytogenetic location: 9q34.3.
Variant type: single nucleotide variant.
Coding change: c.493-17C>A on transcript NM_006412.4 (MANE Select); 17 bases into the intron before coding-DNA position 493, C replaced by A.
Molecular consequence: intron variant.
Genome position (GRCh38, 1-based): chr9:136,676,697, G>T on the plus strand (C>A on the coding strand, the complement: AGPAT2 is on the minus strand). VCF-style: chr9-136676697-G-T. GRCh37 (hg19) VCF-style: chr9-139571149-G-T.
Other names: p.?; c.492+264C>A (NM_001012727.2).
Identifiers: ClinVar variation 259978 (VCV000259978.10), dbSNP rs376439157, ClinGen allele CA5342962.